The following is an entry in ClinVar:

ClinVar aggregate classification (germline): Pathogenic. Review status: reviewed by expert panel (3 of 4 stars). 11 submissions from 10 submitters: Pathogenic (1). 10 of the submissions do not count toward it. Last evaluated 2017-03-17.

Conditions:
Cystic fibrosis (CF). Also called: MUCOVISCIDOSIS. Identifiers: Orphanet 586, MedGen C0010674, MONDO:0009061, OMIM 219700. Disease mechanism: loss of function.
Congenital bilateral aplasia of vas deferens from CFTR mutation (CBAVD). Identifiers: Orphanet 48, MedGen C0403814, MONDO:0010178, OMIM 277180. Disease mechanism: loss of function.
Bronchiectasis with or without elevated sweat chloride 1 (BESC1). Also called: Cystic Fibrosis-Like Syndrome. Identifiers: Orphanet 60033, MedGen C2749757, MONDO:0008887, OMIM 211400.
CFTR-related disorder (CFTR-RD). Also called: CFTR-related disorders; CFTR-related condition. Identifiers: MedGen C5924204, MONDO:7770004.

Submissions (11):

CFTR2
Classification: Pathogenic for Cystic fibrosis. Last evaluated: 2017-03-17. Review status: reviewed by expert panel. Criteria: Sosnay PR et al. (Nat Genet 2013). Collection method: research. Allele origin: germline. Affected: yes. Study: CFTR2.

Ambry Genetics
Classification: Pathogenic for Cystic fibrosis. Last evaluated: 2025-11-14. Review status: criteria provided, single submitter. Criteria: Ambry Variant Classification Scheme 2023. Collection method: clinical testing. Allele origin: germline. Not counted in ClinVar's aggregate classification.
Comment: The c.1155_1156dupTA pathogenic mutation, located in coding exon 9 of the CFTR gene, results from a duplication of TA at nucleotide position 1155, causing a translational frameshift with a predicted alternate stop codon (p.N386Ifs*3). In one study, this mutation was described in five unrelated Hispanic patients with cystic fibrosis. All five patients had elevated sweat chloride levels and pancreatic insufficiency; other clinical features included failure to thrive and recurrent respiratory tract infections (Alper OM et al. Hum. Mutat. 2004 Oct; 24(4):353). This alteration is expected to result in loss of function by premature protein truncation or nonsense-mediated mRNA decay. As such, this alteration is interpreted as a disease-causing mutation.

Natera, Inc.
Classification: Pathogenic for CFTR-related disorders. Last evaluated: 2025-10-19. Review status: criteria provided, single submitter. Criteria: Natera Variant Classification Schema (03/2026). Collection method: clinical testing. Allele origin: germline. Not counted in ClinVar's aggregate classification.
Comment: The c.1155_1156dupTA variant in CFTR is a frameshift variant predicted to shift the reading frame beginning at codon 386 and leads to a stop codon 3 codons downstream. This variant is expected to result in nonsense mediated decay, truncation, or a dysfunctional protein product. This variant is rare in the general population with a frequency below the threshold expected for the associated phenotype(s). This variant has been observed in one or more individuals affected with the associated recessive disease, as either homozygous or compound heterozygous with a second variant (PMID: 16980811, 15365999). Given the available evidence, this variant is classified as Pathogenic.

Otogenetics
Classification: Pathogenic for Cystic fibrosis; Congenital bilateral aplasia of vas deferens from CFTR mutation. Last evaluated: 2025-10-03. Review status: criteria provided, single submitter. Criteria: ACMG Guidelines, 2015. Collection method: clinical testing. Allele origin: germline. Not counted in ClinVar's aggregate classification.
Comment: PVS1: Frameshift insertion introduces premature stop codon in gene with loss of function as mechanism of disease, predicted to undergo NMD; PM2: Maximum gnomAD MAF of 0.0113% in American (AMR) subpopulation (<0.296% threshold); PM3: Variant reported in trans with two other pathogenic variants in four patient affected with cystic fibrosis (PMID: 16980811)

Labcorp Genetics (formerly Invitae), Labcorp
Classification: Pathogenic for Cystic fibrosis. Last evaluated: 2024-06-08. Review status: criteria provided, single submitter. Criteria: Invitae Variant Classification Sherloc (09022015). Collection method: clinical testing. Allele origin: germline. Not counted in ClinVar's aggregate classification.
Comment: This sequence change creates a premature translational stop signal (p.Asn386Ilefs*3) in the CFTR gene. It is expected to result in an absent or disrupted protein product. Loss-of-function variants in CFTR are known to be pathogenic (PMID: 1695717, 7691345, 9725922). This variant is present in population databases (rs779935991, gnomAD 0.009%). This premature translational stop signal has been observed in individual(s) with cystic fibrosis (PMID: 15365999). In at least one individual the data is consistent with being in trans (on the opposite chromosome) from a pathogenic variant. This variant is also known as c.1153_1154dupTA. ClinVar contains an entry for this variant (Variation ID: 487393). For these reasons, this variant has been classified as Pathogenic.

Baylor Genetics
Classification: Pathogenic for Bronchiectasis with or without elevated sweat chloride 1. Last evaluated: 2023-09-29. Review status: criteria provided, single submitter. Criteria: ACMG Guidelines, 2015. Collection method: clinical testing. Allele origin: unknown. Not counted in ClinVar's aggregate classification.

Myriad Genetics, Inc.
Classification: Pathogenic for Cystic fibrosis. Last evaluated: 2019-12-07. Review status: criteria provided, single submitter. Criteria: Myriad Women's Health Autosomal Recessive and X-Linked Classification Criteria (2019). Collection method: clinical testing. Allele origin: unknown. Not counted in ClinVar's aggregate classification.
Comment: NM_000492.3(CFTR):c.1155_1156dupTA(N386Ifs*3, aka 1288insTA) is classified as pathogenic in the context of cystic fibrosis. Sources cited for classification include the following: PMID 15365999 and 16980811. Classification of NM_000492.3(CFTR):c.1155_1156dupTA(N386Ifs*3, aka 1288insTA) is based on the following criteria: The variant causes a premature termination codon that is expected to be targeted by nonsense-mediated mRNA decay and is reported in individuals with the relevant phenotype. Please note: this variant was assessed in the context of healthy population screening.

Johns Hopkins Genomics, Johns Hopkins University
Classification: Pathogenic for Cystic fibrosis. Last evaluated: 2019-06-25. Review status: criteria provided, single submitter. Criteria: ACMG Guidelines, 2015. Collection method: clinical testing. Allele origin: germline. Not counted in ClinVar's aggregate classification.
Comment: Previously reported disease-causing CFTR variant. See CFTR2 for phenotype information.

Quest Diagnostics Nichols Institute San Juan Capistrano
Classification: Pathogenic. Last evaluated: 2019-04-13. Review status: criteria provided, single submitter. Criteria: Quest Diagnostics criteria. Collection method: clinical testing. Allele origin: germline. Not counted in ClinVar's aggregate classification.
Comment: The variant results in a shift of the reading frame, and is therefore predicted to result in the loss of a functional protein. Found in at least one symptomatic patient, and found in general population data that is consistent with pathogenicity. Occurs in multiple cases with a recessive pathogenic variant in the same gene.

Women's Health and Genetics/Laboratory Corporation of America, LabCorp
Classification: Pathogenic for Cystic fibrosis. Last evaluated: 2016-11-17. Review status: criteria provided, single submitter. Criteria: LabCorp Variant Classification Summary - May 2015. Collection method: clinical testing. Allele origin: germline. Not counted in ClinVar's aggregate classification.
Comment: Variant summary: The CFTR c.1155_1156dupTA (p.Asn386Ilefs) variant results in a premature termination codon, predicted to cause a truncated or absent CFTR protein due to nonsense mediated decay, which are commonly known mechanisms for disease. The variant of interest was observed in the large, broad control population, ExAC, with an allele frequency of 3/118554 (1/39525), which does not exceed the estimated maximal expected allele frequency for a pathogenic CFTR variant 1/77. The variant of interest has been reported in multiple affected individuals, along with multiple clinical diagnostic laboratories/databases citing the variant as "pathogenic." Therefore, the variant of interest has been classified as Pathogenic.

Baylor Genetics
Classification: Pathogenic for Congenital bilateral aplasia of vas deferens from CFTR mutation; Cystic fibrosis. Review status: criteria provided, single submitter. Criteria: ACMG Guidelines, 2015. Collection method: clinical testing. Allele origin: germline. Not counted in ClinVar's aggregate classification.

Literature cited by the submitters: PubMed 15365999 (cited by 6 submitters); PubMed 21474639 (cited by Ambry Genetics); PubMed 16980811 (cited by 5 submitters); PubMed 1695717 (cited by Labcorp Genetics (formerly Invitae), Labcorp); PubMed 7691345 (cited by Labcorp Genetics (formerly Invitae), Labcorp); PubMed 9725922 (cited by Labcorp Genetics (formerly Invitae), Labcorp); PubMed 18456578 (cited by Quest Diagnostics Nichols Institute San Juan Capistrano); PubMed 26708955 (cited by Quest Diagnostics Nichols Institute San Juan Capistrano).

NM_000492.4(CFTR):c.1155_1156dup (p.Asn386fs)

Gene: CFTR (CF transmembrane conductance regulator; plus strand). Cytogenetic location: 7q31.2.
Variant type: Microsatellite.
Coding change: c.1155_1156dup on transcript NM_000492.4 (MANE Select); coding-DNA positions 1155 to 1156, 2 bases duplicated (TA; older notation c.1155_1156dupTA).
Protein change: p.Asn386fs; shifts the reading frame from asparagine 386.
Molecular consequence: frameshift variant.
Genome position (GRCh38, 1-based): chr7:117,542,054-117,542,055, TA duplicated; duplicating any 2 consecutive bases within chr7:117,542,051-117,542,055 gives the same sequence; the c. name uses the placement nearest the transcript's 3' end. VCF-style (leftmost placement, unchanged base first): chr7-117542050-A-AAT. GRCh37 (hg19) VCF-style: chr7-117182104-A-AAT.
Other names: 1288insTA; c.1155_1156dup (NM_000492.3); c.1155_1156dupTA (NM_000492.4); short protein forms N386fs.
Identifiers: ClinVar variation 487393 (VCV000487393.29), dbSNP rs121908785, ClinGen allele CA326420.